The following is an entry in ClinVar:

NM_206933.4(USH2A):c.12016C>T (p.Pro4006Ser)

Gene: USH2A (usherin; minus strand). Cytogenetic location: 1q41.
Variant type: single nucleotide variant.
Coding change: c.12016C>T on transcript NM_206933.4 (MANE Select); coding-DNA position 12016, C replaced by T.
Protein change: p.Pro4006Ser; replaces proline 4006 with serine.
Molecular consequence: missense variant.
Genome position (GRCh38, 1-based): chr1:215,728,080, G>A on the plus strand (C>T on the coding strand, the complement: USH2A is on the minus strand). VCF-style: chr1-215728080-G-A. GRCh37 (hg19) VCF-style: chr1-215901422-G-A.
Other names: short protein forms P4006S.
Identifiers: ClinVar variation 2181788 (VCV002181788.4), dbSNP rs2465049389, ClinGen allele CA344827007.

ClinVar aggregate classification (germline): Uncertain significance (1 of 4 stars; one submission).

Allele frequency attached by ClinVar (database versions not stated): gnomAD exomes below 0.00001.
gnomAD v4.1: 1 of 1,614,136 alleles (0.000062%); highest among the groups gnomAD compares: Non-Finnish European, 0.000085%; no homozygotes.

Submission:

Labcorp Genetics (formerly Invitae), Labcorp
Classification: Uncertain significance. Last evaluated: 2022-08-09. Review status: criteria provided, single submitter. Criteria: Invitae Variant Classification Sherloc (09022015). Collection method: clinical testing. Allele origin: germline.
Comment: In summary, the available evidence is currently insufficient to determine the role of this variant in disease. Therefore, it has been classified as a Variant of Uncertain Significance. Algorithms developed to predict the effect of missense changes on protein structure and function output the following: SIFT: "Tolerated"; PolyPhen-2: "Benign"; Align-GVGD: "Class C0". The serine amino acid residue is found in multiple mammalian species, which suggests that this missense change does not adversely affect protein function. This variant has not been reported in the literature in individuals affected with USH2A-related conditions. This variant is not present in population databases (gnomAD no frequency). This sequence change replaces proline, which is neutral and non-polar, with serine, which is neutral and polar, at codon 4006 of the USH2A protein (p.Pro4006Ser).